The following is an entry in ClinVar:

ClinVar aggregate classification (germline): Benign. Review status: criteria provided, multiple submitters, no conflicts (2 of 4 stars). 2 submissions from 2 submitters: Benign (2). Last evaluated 2018-06-19.

Allele frequency attached by ClinVar (database versions not stated): gnomAD 0.40491 and 0.41163; 1000 Genomes Project 0.40954; TOPMed 0.40290; 1000 Genomes Project 30x 0.40506.
gnomAD v4.1: 62,710 of 151,880 alleles (41%); highest among the groups gnomAD compares: South Asian, 58%; 13,711 homozygotes.

Submissions (2):

GeneDx
Classification: Benign. Last evaluated: 2018-06-19. Review status: criteria provided, single submitter. Criteria: GeneDx Variant Classification (06012015). Collection method: clinical testing. Allele origin: germline. Affected: yes.
Comment: This variant is considered likely benign or benign based on one or more of the following criteria: it is a conservative change, it occurs at a poorly conserved position in the protein, it is predicted to be benign by multiple in silico algorithms, and/or has population frequency not consistent with disease.

Breakthrough Genomics
Classification: Benign. Review status: criteria provided, single submitter. Criteria: ACMG Guidelines, 2015. Collection method: not provided. Allele origin: germline. Inheritance: Autosomal dominant inheritance. Affected: yes.

NM_021625.5(TRPV4):c.1892-275T>C

Gene: TRPV4 (transient receptor potential cation channel subfamily V member 4; minus strand). Cytogenetic location: 12q24.11.
Variant type: single nucleotide variant.
Coding change: c.1892-275T>C on transcript NM_021625.5 (MANE Select); 275 bases into the intron before coding-DNA position 1892, T replaced by C.
Molecular consequence: intron variant.
Genome position (GRCh38, 1-based): chr12:109,788,991, A>G on the plus strand (T>C on the coding strand, the complement: TRPV4 is on the minus strand). VCF-style: chr12-109788991-A-G. GRCh37 (hg19) VCF-style: chr12-110226796-A-G.
Other names: c.1571-275T>C (NM_001177433.1); c.1751-275T>C (NM_001177428.1); c.1712-275T>C (NM_147204.2); c.1790-275T>C (NM_001177431.1).
Identifiers: ClinVar variation 667565 (VCV000667565.2), dbSNP rs10774897, ClinGen allele CA13751878.
Genomic context (GRCh38, chr12:109,788,991, plus strand): 5'-GCTGATAAGGAAGAGGTTATCTCTCTCTCTCTCTCTTTCTTTCTGAGATGGGGTCTTGCT[A>G]TGTTGCCCAGGCTGGAGTGCAGTGGCTACTCACAGGCTCAATCCCACTACTGATAAGCGT-3'